The following is an entry in ClinVar:

NM_000340.2(SLC2A2):c.1250C>A (p.Pro417Gln)

Gene: SLC2A2 (solute carrier family 2 member 2; minus strand). Cytogenetic location: 3q26.2.
Variant type: single nucleotide variant.
Coding change: c.1250C>A on transcript NM_000340.2 (MANE Select); coding-DNA position 1250, C replaced by A.
Protein change: p.Pro417Gln; replaces proline 417 with glutamine.
Molecular consequence: missense variant.
Genome position (GRCh38, 1-based): chr3:170,998,317, G>T on the plus strand (C>A on the coding strand, the complement: SLC2A2 is on the minus strand). VCF-style: chr3-170998317-G-T. GRCh37 (hg19) VCF-style: chr3-170716106-G-T.
Other names: c.893C>A, p.Pro298Gln (NM_001278658.2); c.731C>A, p.Pro244Gln (NM_001278659.2); short protein forms P298Q, P244Q, P417Q.
Identifiers: ClinVar variation 2812923 (VCV002812923.3), dbSNP rs121909744, ClinGen allele CA355485915.
Genomic context (GRCh38, chr3:170,998,317, plus strand): 5'-GCTAAAGCAGCAGGACGTGGTCCTTGACTGAAAAACTCAGCCACCATGAACCAGGGGATC[G>T]GGCCTGGCCCAATTTCAAAGAAGCTGACAAAGAGGAAGATGGCTATCATGCTCACATAAC-3'
Protein context (NP_000331.1, residues 407-427): FVSFFEIGPG[Pro417Gln]IPWFMVAEFF

ClinVar aggregate classification (germline): Uncertain significance (1 of 4 stars; one submission).

Conditions:
Fanconi-Bickel syndrome (FBS). Also called: FANCONI SYNDROME WITH INTESTINAL MALABSORPTION AND GALACTOSE INTOLERANCE; Glycogen storage disease due to GLUT2 deficiency; HEPATIC GLYCOGENOSIS WITH AMINO ACIDURIA AND GLUCOSURIA; HEPATIC GLYCOGENOSIS WITH FANCONI NEPHROPATHY; HEPATORENAL GLYCOGENOSIS WITH RENAL FANCONI SYNDROME; PSEUDO-PHLORIZIN DIABETES. Identifiers: Orphanet 2088, MedGen C3495427, MONDO:0009216, OMIM 227810.

Submission:

Labcorp Genetics (formerly Invitae), Labcorp
Classification: Uncertain significance for Fanconi-Bickel syndrome. Last evaluated: 2023-01-04. Review status: criteria provided, single submitter. Criteria: Invitae Variant Classification Sherloc (09022015). Collection method: clinical testing. Allele origin: germline.
Comment: This sequence change replaces proline, which is neutral and non-polar, with glutamine, which is neutral and polar, at codon 417 of the SLC2A2 protein (p.Pro417Gln). This variant is not present in population databases (gnomAD no frequency). Advanced modeling of protein sequence and biophysical properties (such as structural, functional, and spatial information, amino acid conservation, physicochemical variation, residue mobility, and thermodynamic stability) performed at Invitae indicates that this missense variant is expected to disrupt SLC2A2 protein function. This variant has not been reported in the literature in individuals affected with SLC2A2-related conditions. This variant disrupts the p.Pro417 amino acid residue in SLC2A2. Other variant(s) that disrupt this residue have been determined to be pathogenic (PMID: 22214819, 22350464, 23986439). This suggests that this residue is clinically significant, and that variants that disrupt this residue are likely to be disease-causing. In summary, the available evidence is currently insufficient to determine the role of this variant in disease. Therefore, it has been classified as a Variant of Uncertain Significance.

Literature cited by the submitters: PubMed 22214819; PubMed 22350464; PubMed 23986439.